The following is an entry in ClinVar:

ClinVar aggregate classification (germline): Uncertain significance (1 of 4 stars; one submission).

Submission:

Ambry Genetics
Classification: Uncertain significance. Last evaluated: 2024-08-03. Review status: criteria provided, single submitter. Criteria: Ambry Variant Classification Scheme 2023. Collection method: clinical testing. Allele origin: germline.
Comment: The p.I423T variant (also known as c.1268T>C), located in coding exon 13 of the NPAT gene, results from a T to C substitution at nucleotide position 1268. The isoleucine at codon 423 is replaced by threonine, an amino acid with similar properties. This amino acid position is conserved. In addition, this alteration is predicted to be tolerated by in silico analysis. Based on the available evidence, the clinical significance of this variant remains unclear.

NM_002519.3(NPAT):c.1268T>C (p.Ile423Thr)

Gene: NPAT (nuclear protein, coactivator of histone transcription; minus strand). Cytogenetic location: 11q22.3.
Variant type: single nucleotide variant.
Coding change: c.1268T>C on transcript NM_002519.3 (MANE Select); coding-DNA position 1268, T replaced by C.
Protein change: p.Ile423Thr; replaces isoleucine 423 with threonine.
Molecular consequence: missense variant.
Genome position (GRCh38, 1-based): chr11:108,173,716, A>G on the plus strand (T>C on the coding strand, the complement: NPAT is on the minus strand). VCF-style: chr11-108173716-A-G. GRCh37 (hg19) VCF-style: chr11-108044443-A-G.
Other names: c.1268T>C, p.Ile423Thr (NM_001321307.1); short protein forms I423T.
Identifiers: ClinVar variation 3407185 (VCV003407185.1).
Genomic context (GRCh38, chr11:108,173,716, plus strand): 5'-GTAATGTCAATGTCACACTTCTGTTCAGTGGGTACAGCTGTTTTAAAGGCCTTTTTCTGT[A>G]TGCTGGTACTTATTTGGGAAAAATTTTCCTGGTCTTCTTGTCTAAGCACATCATGGTTGT-3'
Protein context (NP_002510.2, residues 413-433): QENFSQISTS[Ile423Thr]QKKAFKTAVP